The following is an entry in ClinVar:

NM_007194.4(CHEK2):c.845A>G (p.His282Arg)

Gene: CHEK2 (checkpoint kinase 2; minus strand). Cytogenetic location: 22q12.1.
Variant type: single nucleotide variant.
Coding change: c.845A>G on transcript NM_007194.4 (MANE Select); coding-DNA position 845, A replaced by G.
Protein change: p.His282Arg; replaces histidine 282 with arginine.
Molecular consequence: missense variant.
Genome position (GRCh38, 1-based): chr22:28,710,007, T>C on the plus strand (A>G on the coding strand, the complement: CHEK2 is on the minus strand). VCF-style: chr22-28710007-T-C. GRCh37 (hg19) VCF-style: chr22-29105995-T-C.
Other names: c.974A>G, p.His325Arg (NM_001005735.3); c.182A>G, p.His61Arg (NM_001257387.3); c.644A>G, p.His215Arg (NM_001349956.3); c.845A>G, p.His282Arg (NM_145862.3); short protein forms H61R, H282R, H325R, H215R.
Identifiers: ClinVar variation 822459 (VCV000822459.10), dbSNP rs1555920110, ClinGen allele CA411102265.

ClinVar aggregate classification (germline): Uncertain significance. Review status: criteria provided, multiple submitters, no conflicts (2 of 4 stars). 4 submissions from 4 submitters: Uncertain significance (4). Last evaluated 2025-11-17.

Conditions:
Hereditary cancer-predisposing syndrome. Also called: Tumor predisposition; Hereditary Cancer Syndrome; Neoplastic Syndromes, Hereditary; Hereditary neoplastic syndrome. Identifiers: Orphanet 140162, MedGen C0027672, MeSH D009386, MONDO:0015356.
CHEK2-related cancer predisposition (TPDS4). Also called: TUMOR PREDISPOSITION SYNDROME 4; CANCER PREDISPOSITION SYNDROME, CHEK2-RELATED; CHEK2-related cancer susceptibility. Identifiers: Orphanet 524, MedGen C5882668, MONDO:0700271, OMIM 609265.
Familial cancer of breast. Also called: BREAST CANCER, FAMILIAL; Hereditary breast cancer; hereditary breast carcinoma. Identifiers: Orphanet 227535, MedGen C0346153, MONDO:0016419, OMIM 114480. Disease mechanism: loss of function.

Submissions (4):

Ambry Genetics
Classification: Uncertain significance for Hereditary cancer-predisposing syndrome. Last evaluated: 2025-11-17. Review status: criteria provided, single submitter. Criteria: Ambry Variant Classification Scheme 2023. Collection method: clinical testing. Allele origin: germline.
Comment: The p.H282R variant (also known as c.845A>G), located in coding exon 6 of the CHEK2 gene, results from an A to G substitution at nucleotide position 845. The histidine at codon 282 is replaced by arginine, an amino acid with highly similar properties. This amino acid position is highly conserved in available vertebrate species. In addition, this alteration is predicted to be deleterious by in silico analysis. Since supporting evidence is limited at this time, the clinical significance of this alteration remains unclear.

Labcorp Genetics (formerly Invitae), Labcorp
Classification: Uncertain significance for Familial cancer of breast. Last evaluated: 2025-11-10. Review status: criteria provided, single submitter. Criteria: Invitae Variant Classification Sherloc (09022015). Collection method: clinical testing. Allele origin: germline.
Comment: This sequence change replaces histidine, which is basic and polar, with arginine, which is basic and polar, at codon 282 of the CHEK2 protein (p.His282Arg). This variant is not present in population databases (gnomAD no frequency). This variant has not been reported in the literature in individuals affected with CHEK2-related conditions. ClinVar contains an entry for this variant (Variation ID: 822459). An algorithm developed to predict the effect of missense changes on protein structure and function (PolyPhen-2) suggests that this variant is likely to be disruptive. In summary, the available evidence is currently insufficient to determine the role of this variant in disease. Therefore, it has been classified as a Variant of Uncertain Significance.

Department of Pathology and Laboratory Medicine, Sinai Health System
Classification: Uncertain significance for CHEK2-related cancer predisposition. Last evaluated: 2024-04-22. Review status: criteria provided, single submitter. Criteria: ACMG Guidelines, 2015. Collection method: clinical testing. Allele origin: germline. Affected: yes.

Color Diagnostics, LLC DBA Color Health
Classification: Uncertain significance for Hereditary cancer-predisposing syndrome. Last evaluated: 2021-06-07. Review status: criteria provided, single submitter. Criteria: ACMG Guidelines, 2015. Collection method: clinical testing. Allele origin: germline.
Comment: This missense variant replaces histidine with arginine at codon 282 of the CHEK2 protein. Computational prediction suggests that this variant may have deleterious impact on protein structure and function (internally defined REVEL score threshold >= 0.7, PMID: 27666373). To our knowledge, functional studies have not been reported for this variant. This variant has not been reported in individuals affected with hereditary cancer in the literature. This variant has not been identified in the general population by the Genome Aggregation Database (gnomAD). The available evidence is insufficient to determine the role of this variant in disease conclusively. Therefore, this variant is classified as a Variant of Uncertain Significance.